The following is an entry in ClinVar:

NM_000363.5(TNNI3):c.632G>T (p.Ter211Leu)

Gene: TNNI3 (troponin I3, cardiac type; minus strand). Cytogenetic location: 19q13.42.
Variant type: single nucleotide variant.
Coding change: c.632G>T on transcript NM_000363.5 (MANE Select); coding-DNA position 632, G replaced by T.
Protein change: p.Ter211Leu.
Molecular consequence: stop lost.
Genome position (GRCh38, 1-based): chr19:55,151,835, C>A on the plus strand (G>T on the coding strand, the complement: TNNI3 is on the minus strand). VCF-style: chr19-55151835-C-A. GRCh37 (hg19) VCF-style: chr19-55663203-C-A.
Other names: p.X211L:TGA>TTA; *211L; c.632G>T (LRG_432t1).
Identifiers: ClinVar variation 181596 (VCV000181596.18), dbSNP rs730881084, ClinGen allele CA022109.
Genomic context (GRCh38, chr19:55,151,835, plus strand): 5'-CAGAGAGAAGCTTTATTCCTCAGGGCCCTCCTCAGGGCAGGGGCAGTAGGCAGGAAGGCT[C>A]AGCTCTCAAACTTTTTCTTGCGGCCCTCCATTCCACTCAGTGCATCGATGTTCTTGCGCC-3'

ClinVar aggregate classification (germline): Uncertain significance. Review status: criteria provided, multiple submitters, no conflicts (2 of 4 stars). 7 submissions from 7 submitters: Uncertain significance (7). Last evaluated 2026-04-23.

Conditions:
Cardiovascular phenotype. Identifiers: MedGen CN230736.
Hypertrophic cardiomyopathy. Also called: HYPERTROPHIC MYOCARDIOPATHY. Identifiers: Orphanet 217569, MedGen C0007194, MeSH D002312, MONDO:0005045, HP:0001639.

Allele frequency attached by ClinVar (database versions not stated): gnomAD exomes below 0.00001; ExAC 0.00001; gnomAD 0.00001; TOPMed 0.00001.
gnomAD v4.1: 9 of 1,613,904 alleles (0.00056%); highest among the groups gnomAD compares: African/African-American, 0.0013%; no homozygotes.

Submissions (7):

Women's Health and Genetics/Laboratory Corporation of America, LabCorp
Classification: Uncertain significance. Last evaluated: 2026-04-23. Review status: criteria provided, single submitter. Criteria: LabCorp Variant Classification Summary - May 2015. Collection method: clinical testing. Allele origin: germline.
Comment: Variant summary: TNNI3 c.632G>T (p.X211LeuextX20) changes the termination codon and is predicted to lead to an extended protein with additional amino acids added to the normal C-terminus. The variant allele was found at a frequency of 4e-06 in 249570 control chromosomes. The available data on variant occurrences in the general population are insufficient to allow any conclusion about variant significance. To our knowledge, no occurrence of c.632G>T in individuals affected with TNNI3-related conditions and no experimental evidence demonstrating its impact on protein function have been reported. ClinVar contains an entry for this variant (Variation ID: 181596). Based on the evidence outlined above, the variant was classified as uncertain significance.

Molecular Diagnostic Laboratory for Inherited Cardiovascular Disease, Montreal Heart Institute
Classification: Uncertain significance for Cardiovascular phenotype. Last evaluated: 2025-04-09. Review status: criteria provided, single submitter. Criteria: ACMG Guidelines, 2015. Collection method: clinical testing. Allele origin: germline. Affected: yes.
Comment: PM2, PM4

Labcorp Genetics (formerly Invitae), Labcorp
Classification: Uncertain significance for Hypertrophic cardiomyopathy. Last evaluated: 2025-01-30. Review status: criteria provided, single submitter. Criteria: Invitae Variant Classification Sherloc (09022015). Collection method: clinical testing. Allele origin: germline.
Comment: This sequence change disrupts the translational stop signal of the TNNI3 mRNA. It is expected to extend the length of the TNNI3 protein by 20 additional amino acid residues. This variant is present in population databases (rs730881084, gnomAD 0.002%). This variant has not been reported in the literature in individuals affected with TNNI3-related conditions. ClinVar contains an entry for this variant (Variation ID: 181596). Experimental studies and prediction algorithms are not available or were not evaluated, and the functional significance of this variant is currently unknown. In summary, the available evidence is currently insufficient to determine the role of this variant in disease. Therefore, it has been classified as a Variant of Uncertain Significance.

All of Us Research Program, National Institutes of Health
Classification: Uncertain significance for Hypertrophic cardiomyopathy. Last evaluated: 2023-12-01. Review status: criteria provided, single submitter. Criteria: ACMG Guidelines, 2015. Collection method: clinical testing. Allele origin: germline. Inheritance: Autosomal dominant inheritance. Observed: 2 variant alleles, 2 heterozygotes.
Comment: This study involves interpretation of variants in research participants for the purpose of population health screening. Participant phenotype was not available at the time of variant classification. Additional details can be found in publication PMID: 35346344, PMCID: PMC8962531

Laboratory for Molecular Medicine, Mass General Brigham Personalized Medicine
Classification: Uncertain significance. Last evaluated: 2020-12-15. Review status: criteria provided, single submitter. Criteria: ACMG Guidelines, 2015. Collection method: clinical testing. Allele origin: germline.
Comment: The p.X211LeuextX21 variant in TNNI3 has not been previously reported in the literature in individuals with cardiomyopathy but has been reported by other clinical laboratories in ClinVar (Variation ID 181596) and been identified in 0.002% (2/128712) of European chromosomes by gnomAD. This stop loss variant changes the normal stop codon to a leucine (Leu) and is predicted to result in a 21 amino acid extension of the protein. The functional impact of this change is unclear. In summary, the clinical significance of this variant is uncertain. ACMG/AMP Criteria applied: PM2_Supporting, PM4.

Revvity Omics, Revvity
Classification: Uncertain significance. Last evaluated: 2020-02-24. Review status: criteria provided, single submitter. Criteria: ACMG Guidelines, 2015. Collection method: clinical testing. Allele origin: germline.

GeneDx
Classification: Uncertain significance. Last evaluated: 2013-07-29. Review status: criteria provided, single submitter. Criteria: GeneDx Variant Classification (06012015). Collection method: clinical testing. Allele origin: germline. Affected: yes.
Comment: The Stop211Leu variant in the TNNI3 gene has not been reported as a disease-causing mutation or as a benign polymorphism to our knowledge. Stop211Leu was not observed in approximately 6000 individuals of European and African American ancestry in the NHLBI Exome Sequencing Project, indicating it is not a common benign variant in these populations. Stop211Leu changes the normal Stop codon to a Leucine codon, leading to the addition of other amino acids at the C-terminal end of the TNNI3 protein. However, in the absence of mRNA studies, the functional consequence of the extension of the protein is unknown. The variant is found in DCM panel(s).